The following is an entry in ClinVar:

NM_001083961.2(WDR62):c.2331C>T (p.Pro777=)

Gene: WDR62 (WD repeat domain 62; plus strand). Cytogenetic location: 19q13.12.
Variant type: single nucleotide variant.
Coding change: c.2331C>T on transcript NM_001083961.2 (MANE Select); coding-DNA position 2331, C replaced by T.
Protein change: p.Pro777=; no amino-acid change (proline 777 retained).
Molecular consequence: synonymous variant.
Genome position (GRCh38, 1-based): chr19:36,092,809, C>T. VCF-style: chr19-36092809-C-T. GRCh37 (hg19) VCF-style: chr19-36583711-C-T.
Other names: c.2316C>T, p.Pro772= (NM_001411145.1); c.2331C>T, p.Pro777= (NM_001411146.1, NM_173636.5); c.1980C>T, p.Pro660= (NM_001411147.1).
Identifiers: ClinVar variation 3017268 (VCV003017268.3), dbSNP rs201036641, ClinGen allele CA9395894.

ClinVar aggregate classification (germline): Uncertain significance (1 of 4 stars; one submission).

Allele frequency attached by ClinVar (database versions not stated): gnomAD 0.00001; ExAC 0.00002; 1000 Genomes Project 30x 0.00016; 1000 Genomes Project 0.00020.
gnomAD v4.1: 6 of 1,613,938 alleles (0.00037%); highest among the groups gnomAD compares: Middle Eastern, 0.017%; no homozygotes.

Submission:

Labcorp Genetics (formerly Invitae), Labcorp
Classification: Uncertain significance. Last evaluated: 2022-12-16. Review status: criteria provided, single submitter. Criteria: Invitae Variant Classification Sherloc (09022015). Collection method: clinical testing. Allele origin: germline.
Comment: In summary, the available evidence is currently insufficient to determine the role of this variant in disease. Therefore, it has been classified as a Variant of Uncertain Significance. Algorithms developed to predict the effect of sequence changes on RNA splicing suggest that this variant may disrupt the consensus splice site. This variant has not been reported in the literature in individuals affected with WDR62-related conditions. This variant is present in population databases (rs201036641, gnomAD 0.002%). This sequence change affects codon 777 of the WDR62 mRNA. It is a 'silent' change, meaning that it does not change the encoded amino acid sequence of the WDR62 protein.